The following is an entry in ClinVar:

NM_000492.4(CFTR):c.4243-16A>G

Genes: CFTR (CF transmembrane conductance regulator; plus strand), LOC111674477 (CFTR intron 23 enhancer; plus strand). Cytogenetic location: 7q31.2.
Variant type: single nucleotide variant.
Coding change: c.4243-16A>G on transcript NM_000492.4 (MANE Select); 16 bases into the intron before coding-DNA position 4243, A replaced by G.
Molecular consequence: intron variant.
Genome position (GRCh38, 1-based): chr7:117,666,892, A>G. VCF-style: chr7-117666892-A-G. GRCh37 (hg19) VCF-style: chr7-117306946-A-G.
Identifiers: ClinVar variation 632746 (VCV000632746.14), dbSNP rs780125251, ClinGen allele CA4451674.

ClinVar aggregate classification (germline): Conflicting classifications of pathogenicity. Review status: criteria provided, conflicting classifications (1 of 4 stars). 5 submissions from 5 submitters: Uncertain significance (1); Benign (1); Likely benign (2). 1 of the submissions does not count toward it. Last evaluated 2025-01-07.

Conditions:
CFTR-related disorder (CFTR-RD). Also called: CFTR-related condition; CFTR-related disorders. Identifiers: MedGen C5924204, MONDO:7770004.
Cystic fibrosis (CF). Also called: MUCOVISCIDOSIS. Identifiers: Orphanet 586, MedGen C0010674, MONDO:0009061, OMIM 219700. Disease mechanism: loss of function.

Allele frequency attached by ClinVar (database versions not stated): gnomAD exomes 0.00006 and 0.00012; gnomAD 0.00004 and below 0.00001; TOPMed 0.00001; ExAC 0.00011.
gnomAD v4.1: 102 of 1,613,240 alleles (0.0063%); highest among the groups gnomAD compares: South Asian, 0.11%; 1 homozygote.

Submissions (5):

Women's Health and Genetics/Laboratory Corporation of America, LabCorp
Classification: Likely benign. Last evaluated: 2025-01-07. Review status: criteria provided, single submitter. Criteria: LabCorp Variant Classification Summary - May 2015. Collection method: clinical testing. Allele origin: germline.
Comment: Variant summary: CFTR c.4243-16A>G alters a non-conserved nucleotide located at a position not widely known to affect splicing. Consensus agreement among computation tools predict no significant impact on normal splicing. However, these predictions have yet to be confirmed by functional studies. The variant allele was found at a frequency of 0.00012 in 249724 control chromosomes. This frequency is not significantly higher than estimated for a pathogenic variant in CFTR causing Cystic Fibrosis (0.00012 vs 0.013), allowing no conclusion about variant significance. c.4243-16A>G has been reported in the literature in one individual with elevated sweat chloride levels (Mazumdar_2015). These report(s) do not provide unequivocal conclusions about association of the variant with Cystic Fibrosis. To our knowledge, no experimental evidence demonstrating an impact on protein function has been reported. ClinVar contains an entry for this variant (Variation ID: 632746). Based on the evidence outlined above, the variant was classified as likely benign.

Labcorp Genetics (formerly Invitae), Labcorp
Classification: Likely benign for Cystic fibrosis. Last evaluated: 2024-02-22. Review status: criteria provided, single submitter. Criteria: Invitae Variant Classification Sherloc (09022015). Collection method: clinical testing. Allele origin: germline.

ARUP Laboratories, Molecular Genetics and Genomics, ARUP Laboratories
Classification: Uncertain significance. Last evaluated: 2023-07-27. Review status: criteria provided, single submitter. Criteria: ARUP Molecular Germline Variant Investigation Process 2024. Collection method: clinical testing. Allele origin: germline.
Comment: The CFTR c.4243-16A>G variant (rs780125251) is reported in the CFTR France database in an individual with pancreatitis and an individual with CBAVD (see link). This variant is also reported in ClinVar (Variation ID: 632746). It is found in the general population with an overall allele frequency of 0.01% (31/249724 alleles) in the Genome Aggregation Database. This is an intronic variant in a weakly conserved nucleotide, but computational analyses (Alamut Visual Plus v.1.5.1) predict that this variant may impact splicing by weakening the nearby canonical acceptor splice site. Due to limited information, the clinical significance of this variant is uncertain at this time. References: CFTR France database link

Ambry Genetics
Classification: Benign for Cystic fibrosis. Last evaluated: 2022-11-10. Review status: criteria provided, single submitter. Criteria: Ambry Variant Classification Scheme 2023. Collection method: clinical testing. Allele origin: germline.

PreventionGenetics, part of Exact Sciences
Classification: Likely benign for CFTR-related condition. Last evaluated: 2022-12-09. Review status: no assertion criteria provided. Collection method: clinical testing. Allele origin: germline. Not counted in ClinVar's aggregate classification.
Comment: This variant is classified as likely benign based on ACMG/AMP sequence variant interpretation guidelines (Richards et al. 2015 PMID: 25741868, with internal and published modifications).

Literature cited by the submitters: PubMed 25651269 (cited by Women's Health and Genetics/Laboratory Corporation of America, LabCorp and Ambry Genetics).